The following is an entry in ClinVar:

NM_000057.4(BLM):c.380C>T (p.Thr127Ile)

Gene: BLM (BLM RecQ like helicase; plus strand). Cytogenetic location: 15q26.1.
Variant type: single nucleotide variant.
Coding change: c.380C>T on transcript NM_000057.4 (MANE Select); coding-DNA position 380, C replaced by T.
Protein change: p.Thr127Ile; replaces threonine 127 with isoleucine.
Molecular consequence: missense variant. On other transcripts: 5 prime UTR variant (1).
Genome position (GRCh38, 1-based): chr15:90,749,648, C>T. VCF-style: chr15-90749648-C-T. GRCh37 (hg19) VCF-style: chr15-91292878-C-T.
Other names: c.380C>T, p.Thr127Ile (NM_001287246.2, NM_001287247.2); c.-912C>T (NM_001287248.2); short protein forms T127I.
Identifiers: ClinVar variation 945146 (VCV000945146.12), dbSNP rs1895613545, ClinGen allele CA393840423.

ClinVar aggregate classification (germline): Uncertain significance. Review status: criteria provided, multiple submitters, no conflicts (2 of 4 stars). 3 submissions from 3 submitters: Uncertain significance (3). Last evaluated 2023-01-23.

Conditions:
Hereditary cancer-predisposing syndrome. Also called: Neoplastic Syndromes, Hereditary; Hereditary Cancer Syndrome; Tumor predisposition; Hereditary neoplastic syndrome. Identifiers: Orphanet 140162, MedGen C0027672, MeSH D009386, MONDO:0015356.
Bloom syndrome (BLM). Also called: Bloom-Torre-Machacek syndrome. Identifiers: Orphanet 125, MedGen C0005859, MONDO:0008876, OMIM 210900.
Colorectal cancer. Also called: Malignant Colorectal Neoplasm; Colorectal cancer, somatic. Identifiers: MedGen C0346629, MONDO:0005575, OMIM 114500.

Submissions (3):

Labcorp Genetics (formerly Invitae), Labcorp
Classification: Uncertain significance for Bloom syndrome. Last evaluated: 2023-01-23. Review status: criteria provided, single submitter. Criteria: Invitae Variant Classification Sherloc (09022015). Collection method: clinical testing. Allele origin: germline.
Comment: In summary, the available evidence is currently insufficient to determine the role of this variant in disease. Therefore, it has been classified as a Variant of Uncertain Significance. Algorithms developed to predict the effect of missense changes on protein structure and function output the following: SIFT: "Tolerated"; PolyPhen-2: "Benign"; Align-GVGD: "Class C0". The isoleucine amino acid residue is found in multiple mammalian species, which suggests that this missense change does not adversely affect protein function. ClinVar contains an entry for this variant (Variation ID: 945146). This variant has not been reported in the literature in individuals affected with BLM-related conditions. This variant is not present in population databases (gnomAD no frequency). This sequence change replaces threonine, which is neutral and polar, with isoleucine, which is neutral and non-polar, at codon 127 of the BLM protein (p.Thr127Ile).

Department of Pathology and Laboratory Medicine, Sinai Health System
Classification: Uncertain significance for colorectal cancer. Last evaluated: 2020-06-15. Review status: criteria provided, single submitter. Criteria: ACMG Guidelines, 2015. Collection method: research. Allele origin: germline.

Ambry Genetics
Classification: Uncertain significance for Hereditary cancer-predisposing syndrome. Last evaluated: 2020-01-31. Review status: criteria provided, single submitter. Criteria: Ambry Variant Classification Scheme 2023. Collection method: clinical testing. Allele origin: germline.
Comment: The p.T127I variant (also known as c.380C>T), located in coding exon 2 of the BLM gene, results from a C to T substitution at nucleotide position 380. The threonine at codon 127 is replaced by isoleucine, an amino acid with similar properties. This amino acid position is poorly conserved in available vertebrate species. In addition, this alteration is predicted to be tolerated by in silico analysis. Since supporting evidence is limited at this time, the clinical significance of this alteration remains unclear.